The following is an entry in ClinVar:

NM_005228.5(EGFR):c.1887T>A (p.Thr629=)

Gene: EGFR (epidermal growth factor receptor; plus strand). Cytogenetic location: 7p11.2.
Variant type: single nucleotide variant.
Coding change: c.1887T>A on transcript NM_005228.5 (MANE Select); coding-DNA position 1887, T replaced by A.
Protein change: p.Thr629=; no amino-acid change (threonine 629 retained).
Molecular consequence: synonymous variant.
Genome position (GRCh38, 1-based): chr7:55,171,181, T>A. VCF-style: chr7-55171181-T-A. GRCh37 (hg19) VCF-style: chr7-55238874-T-A.
Other names: p.Thr629=; c.1752T>A, p.Thr584= (NM_001346897.2, NM_001346899.2); c.1887T>A, p.Thr629= (NM_001346898.2); c.1728T>A, p.Thr576= (NM_001346900.2); c.1086T>A, p.Thr362= (NM_001346941.2); c.1887T>A (NM_005228.4).
Identifiers: ClinVar variation 259677 (VCV000259677.22), dbSNP rs2227984, ClinGen allele CA4265855.

ClinVar aggregate classification (germline): Benign/Likely benign. Review status: criteria provided, multiple submitters, no conflicts (2 of 4 stars). 10 submissions from 10 submitters: Benign (9); Likely benign (1). Last evaluated 2026-02-04.

Conditions:
Lung cancer. Also called: Lung cancer, somatic; Malignant tumor of lung. Identifiers: MedGen C0242379, MONDO:0008903, OMIM 211980.
Inflammatory skin and bowel disease, neonatal, 2 (NNCIS). Identifiers: Orphanet 294023, MedGen C4015130, MONDO:0014481, OMIM 616069.
Hereditary cancer-predisposing syndrome. Also called: Tumor predisposition; Hereditary neoplastic syndrome; Hereditary Cancer Syndrome; Neoplastic Syndromes, Hereditary. Identifiers: Orphanet 140162, MedGen C0027672, MeSH D009386, MONDO:0015356.
EGFR-related lung cancer (EGFR). Identifiers: MedGen CN130014.

Allele frequency attached by ClinVar (database versions not stated): ESP Exome Variant Server 0.32247; gnomAD 0.33239 and 0.34003; TOPMed 0.34478; gnomAD exomes 0.35194 and 0.37621; 1000 Genomes Project 30x 0.38819; 1000 Genomes Project 0.39038.
gnomAD v4.1: 567,905 of 1,613,896 alleles (35%); highest among the groups gnomAD compares: East Asian, 60%; 103,078 homozygotes.

Submissions (10):

Labcorp Genetics (formerly Invitae), Labcorp
Classification: Benign for EGFR-related lung cancer. Last evaluated: 2026-02-04. Review status: criteria provided, single submitter. Criteria: Invitae Variant Classification Sherloc (09022015). Collection method: clinical testing. Allele origin: germline.

Blueprint Genetics
Classification: Likely benign. Last evaluated: 2024-11-27. Review status: criteria provided, single submitter. Criteria: ACMG Guidelines, 2015. Collection method: clinical testing. Allele origin: germline.

Ambry Genetics
Classification: Benign for Hereditary cancer-predisposing syndrome. Last evaluated: 2024-10-18. Review status: criteria provided, single submitter. Criteria: Ambry Variant Classification Scheme 2023. Collection method: clinical testing. Allele origin: germline.

KCCC/NGS Laboratory, Kuwait Cancer Control Center
Classification: Benign for Lung cancer. Last evaluated: 2023-07-07. Review status: criteria provided, single submitter. Criteria: ACMG Guidelines, 2015. Collection method: clinical testing. Allele origin: germline. Affected: yes.

Mayo Clinic Laboratories, Mayo Clinic
Classification: Benign. Last evaluated: 2022-03-03. Review status: criteria provided, single submitter. Criteria: ACMG Guidelines, 2015. Collection method: clinical testing. Allele origin: germline. Observed: 164 variant alleles.

Genome-Nilou Lab
Classification: Benign for Inflammatory skin and bowel disease, neonatal, 2. Last evaluated: 2021-07-30. Review status: criteria provided, single submitter. Criteria: ACMG Guidelines, 2015. Collection method: clinical testing. Allele origin: germline. Affected: no.

GeneDx
Classification: Benign. Last evaluated: 2019-02-07. Review status: criteria provided, single submitter. Criteria: GeneDx Variant Classification Process June 2021. Collection method: clinical testing. Allele origin: germline. Affected: yes.

Laboratory for Molecular Medicine, Mass General Brigham Personalized Medicine
Classification: Benign. Last evaluated: 2016-03-29. Review status: criteria provided, single submitter. Criteria: LMM Criteria. Collection method: clinical testing. Allele origin: germline.
Comment: Variant identified in a genome or exome case(s) and assessed due to predicted null impact of the variant or pathogenic assertions in the literature or databases. Disclaimer: This variant has not undergone full assessment. The following are preliminary notes: Frequency

Breakthrough Genomics
Classification: Benign. Review status: criteria provided, single submitter. Criteria: ACMG Guidelines, 2015. Collection method: not provided. Allele origin: germline. Inheritance: Autosomal recessive inheritance. Affected: yes.

PreventionGenetics, part of Exact Sciences
Classification: Benign. Review status: criteria provided, single submitter. Criteria: ACMG Guidelines, 2015. Collection method: clinical testing. Allele origin: germline.